The following is an entry in ClinVar:

ClinVar aggregate classification (germline): Likely benign. Review status: criteria provided, multiple submitters, no conflicts (2 of 4 stars). 3 submissions from 3 submitters: Likely benign (3). Last evaluated 2026-01-28.

Conditions:
Autosomal recessive limb-girdle muscular dystrophy type 2J (LGMDR10). Also called: Limb-girdle muscular dystrophy, type 2J; MUSCULAR DYSTROPHY, LIMB-GIRDLE, AUTOSOMAL RECESSIVE 10. Identifiers: Orphanet 140922, MedGen C1837342, MONDO:0012127, OMIM 608807.
Dilated cardiomyopathy 1G (CMD1G). Identifiers: Orphanet 154, MedGen C1858763, MONDO:0011400, OMIM 604145.

Allele frequency attached by ClinVar (database versions not stated): gnomAD 0.00002 and 0.00003; ExAC 0.00003; gnomAD exomes 0.00004 and 0.00017; TOPMed 0.00005; ESP Exome Variant Server 0.00008.
gnomAD v4.1: 249 of 1,614,064 alleles (0.015%); highest among the groups gnomAD compares: Non-Finnish European, 0.02%; no homozygotes.

Submissions (3):

Labcorp Genetics (formerly Invitae), Labcorp
Classification: Likely benign for Dilated cardiomyopathy 1G; Autosomal recessive limb-girdle muscular dystrophy type 2J. Last evaluated: 2026-01-28. Review status: criteria provided, single submitter. Criteria: Invitae Variant Classification Sherloc (09022015). Collection method: clinical testing. Allele origin: germline.

Blueprint Genetics
Classification: Likely benign. Last evaluated: 2024-11-07. Review status: criteria provided, single submitter. Criteria: ACMG Guidelines, 2015. Collection method: clinical testing. Allele origin: germline.

GeneDx
Classification: Likely benign. Last evaluated: 2017-03-10. Review status: criteria provided, single submitter. Criteria: GeneDx Variant Classification (06012015). Collection method: clinical testing. Allele origin: germline. Affected: yes.
Comment: This variant is considered likely benign or benign based on one or more of the following criteria: it is a conservative change, it occurs at a poorly conserved position in the protein, it is predicted to be benign by multiple in silico algorithms, and/or has population frequency not consistent with disease.

NM_001267550.2(TTN):c.7331-16G>T

Genes: TTN (titin; minus strand), LOC126806433 (BRD4-independent group 4 enhancer GRCh37_chr2:179638309-179639508; plus strand). Cytogenetic location: 2q31.2.
Variant type: single nucleotide variant.
Coding change: c.7331-16G>T on transcript NM_001267550.2 (MANE Select); 16 bases into the intron before coding-DNA position 7331, G replaced by T.
Molecular consequence: intron variant.
Genome position (GRCh38, 1-based): chr2:178,773,741, C>A on the plus strand (G>T on the coding strand, the complement: TTN is on the minus strand). VCF-style: chr2-178773741-C-A. GRCh37 (hg19) VCF-style: chr2-179638468-C-A.
Other names: c.7193-16G>T (NM_003319.4, NM_133437.4, NM_133432.3); c.7331-16G>T (NM_133378.4, NM_001256850.1, NM_133379.5).
Identifiers: ClinVar variation 517784 (VCV000517784.10), dbSNP rs372580840, ClinGen allele CA2004827.